The following is an entry in ClinVar:

ClinVar aggregate classification (germline): Conflicting classifications of pathogenicity. Review status: criteria provided, conflicting classifications (1 of 4 stars). 3 submissions from 3 submitters: Likely pathogenic (1); Uncertain significance (2). Last evaluated 2026-06-26.

Conditions:
Autosomal dominant hypocalcemia 1 (HYPOC1). Also called: HYPOCALCEMIA, FAMILIAL. Identifiers: MedGen C3715128, MONDO:0011013, OMIM 601198.
Familial hypocalciuric hypercalcemia (FHH). Also called: Familial benign hypercalcemia. Identifiers: Orphanet 405, MedGen C1809471, MONDO:0018458.
CASR-related disorder. Also called: CASR-related condition.
Epilepsy, idiopathic generalized, susceptibility to, 8. Identifiers: MedGen C2752062, MONDO:0013032, OMIM 612899.
Neonatal severe primary hyperparathyroidism. Identifiers: Orphanet 417, MedGen C1832615, MONDO:0009397, OMIM 239200.
Familial hypocalciuric hypercalcemia 1. Also called: Hypercalcemia, familial benign type 1. Identifiers: Orphanet 405, Orphanet 93372, MedGen C0342637, MONDO:0007791, OMIM 145980.

Submissions (3):

PreventionGenetics, part of Exact Sciences
Classification: Likely pathogenic for CASR-related condition. Last evaluated: 2026-06-26. Review status: criteria provided, single submitter. Criteria: ACMG Guidelines, 2015. Collection method: clinical testing. Allele origin: germline.
Comment: The CASR c.2533G>A variant is predicted to result in the amino acid substitution p.Ala845Thr. This variant is referred to as c.2503G>A (p.Ala835Thr) in the primary transcript NM_000388. This variant has been reported in two family members of a large pedigree with autosomal dominant hypocalcemia; however, segregation analysis was limited (Reported as c.2503G>A, A835T, See Family G in D'Souza-Li L et al. 2002. PubMed ID: 11889203). Functional studies using HEK293 cells suggest that this variant (described as A835T) impacts CASR protein function (Hu et al. 2004. PubMed ID: 15591042). At PreventionGenetics, this variant has been identified in several other patients with autosomal dominant hypocalcemia. An alternate missense change at the same amino acid position (NM_000388:c.2504C>A, p.Ala835Asp) has been reported in an individual with autosomal dominant hypocalcemia (Letz et al. 2014. PubMed ID: 25506941). The c.2533G>A variant has not been reported in a large population database (gnomAD), indicating this variant is rare. This variant is interpreted as likely pathogenic.

Fulgent Genetics
Classification: Uncertain significance for Familial hypocalciuric hypercalcemia 1; Neonatal severe primary hyperparathyroidism; Autosomal dominant hypocalcemia 1; Epilepsy, idiopathic generalized, susceptibility to, 8. Last evaluated: 2022-03-04. Review status: criteria provided, single submitter. Criteria: ACMG Guidelines, 2015. Collection method: clinical testing. Allele origin: unknown.

Labcorp Genetics (formerly Invitae), Labcorp
Classification: Uncertain significance for Familial hypocalciuric hypercalcemia; Autosomal dominant hypocalcemia 1. Last evaluated: 2021-06-06. Review status: criteria provided, single submitter. Criteria: Invitae Variant Classification Sherloc (09022015). Collection method: clinical testing. Allele origin: germline.
Comment: In summary, the available evidence is currently insufficient to determine the role of this variant in disease. Therefore, it has been classified as a Variant of Uncertain Significance. This variant has been reported to affect CASR protein function (PMID: 11889203, 15591042). This variant has been observed in a family affected with autosomal dominant hypocalcemia (PMID: 11889203). This variant is not present in population databases (ExAC no frequency). This sequence change replaces alanine with threonine at codon 835 of the CASR protein (p.Ala835Thr). The alanine residue is highly conserved and there is a small physicochemical difference between alanine and threonine.

Literature cited by the submitters: PubMed 11889203 (cited by Labcorp Genetics (formerly Invitae), Labcorp); PubMed 15591042 (cited by Labcorp Genetics (formerly Invitae), Labcorp).

NM_000388.4(CASR):c.2503G>A (p.Ala835Thr)

Gene: CASR (calcium sensing receptor; plus strand). Cytogenetic location: 3q21.1.
Variant type: single nucleotide variant.
Coding change: c.2503G>A on transcript NM_000388.4 (MANE Select); coding-DNA position 2503, G replaced by A.
Protein change: p.Ala835Thr; replaces alanine 835 with threonine.
Molecular consequence: missense variant.
Genome position (GRCh38, 1-based): chr3:122,284,457, G>A. VCF-style: chr3-122284457-G-A. GRCh37 (hg19) VCF-style: chr3-122003304-G-A.
Other names: c.2533G>A, p.Ala845Thr (NM_001178065.2); c.2533G>A (NM_001178065.1); short protein forms A845T, A835T.
Identifiers: ClinVar variation 846076 (VCV000846076.12), dbSNP rs2074939751, ClinGen allele CA354160093.